The following is an entry in ClinVar:

ClinVar aggregate classification (germline): Likely pathogenic (1 of 4 stars; one submission).

Conditions:
Epidermodysplasia verruciformis. Identifiers: Orphanet 302, MedGen C0014522, MONDO:0009176.

Submission:

Labcorp Genetics (formerly Invitae), Labcorp
Classification: Likely pathogenic for Epidermodysplasia verruciformis. Last evaluated: 2022-03-04. Review status: criteria provided, single submitter. Criteria: Invitae Variant Classification Sherloc (09022015). Collection method: clinical testing. Allele origin: germline.
Comment: This variant results in the deletion of part of exon 12 (c.1521_1533+16del) of the TMC8 gene. It is expected to disrupt RNA splicing. Variants that disrupt the donor or acceptor splice site typically lead to a loss of protein function (PMID: 16199547), and loss-of-function variants in TMC8 are known to be pathogenic (PMID: 12426567, 22158547). This variant is not present in population databases (gnomAD no frequency). This variant has not been reported in the literature in individuals affected with TMC8-related conditions. Algorithms developed to predict the effect of sequence changes on RNA splicing suggest that this variant may disrupt the consensus splice site. In summary, the currently available evidence indicates that the variant is pathogenic, but additional data are needed to prove that conclusively. Therefore, this variant has been classified as Likely Pathogenic.

Literature cited by the submitters: PubMed 16199547; PubMed 12426567; PubMed 22158547.

NM_152468.5(TMC8):c.1521_1533+16del

Genes: TMC8 (transmembrane channel like 8; plus strand), LOC130061795 (ATAC-STARR-seq lymphoblastoid active region 12864; plus strand). Cytogenetic location: 17q25.3.
Variant type: Deletion.
Coding change: c.1521_1533+16del on transcript NM_152468.5 (MANE Select); coding-DNA position 1521 through 16 bases into the intron after coding-DNA position 1533, 29 bases deleted (CTACATCAAGAAGGTGACGGCTCATGGCT).
Molecular consequence: splice donor variant.
Genome position (GRCh38, 1-based): chr17:78,138,176-78,138,204, CTACATCAAGAAGGTGACGGCTCATGGCT deleted; deleting any 29 consecutive bases within chr17:78,138,175-78,138,204 gives the same sequence; the c. name uses the placement nearest the transcript's 3' end. VCF-style (leftmost placement, unchanged base first): chr17-78138174-TTCTACATCAAGAAGGTGACGGCTCATGGC-T. GRCh37 (hg19) VCF-style: chr17-76134255-TTCTACATCAAGAAGGTGACGGCTCATGGC-T.
Identifiers: ClinVar variation 2106807 (VCV002106807.4), dbSNP rs2510812563, ClinGen allele CA2580095276.
Genomic context (GRCh38, chr17:78,138,174, plus strand): 5'-ATGGGCCTCTTCTACTGCCCCCTGCTGCCCCTGCTGAATAGCGTCTTCCTCTTCCTCACC[TTCTACATCAAGAAGGTGACGGCTCATGGC>T]TGGGGGGTATGGGGTTCGTGCCTCTGGGTGGATGCCTTGAGCTGGGCTCGCCTCCTGCTC-3'